The following is an entry in ClinVar:

NM_001136191.3(KANK2):c.38-178G>A

Gene: KANK2 (KN motif and ankyrin repeat domains 2; minus strand). Cytogenetic location: 19p13.2.
Variant type: single nucleotide variant.
Coding change: c.38-178G>A on transcript NM_001136191.3 (MANE Select); 178 bases into the intron before coding-DNA position 38, G replaced by A.
Molecular consequence: intron variant.
Genome position (GRCh38, 1-based): chr19:11,194,220, C>T on the plus strand (G>A on the coding strand, the complement: KANK2 is on the minus strand). VCF-style: chr19-11194220-C-T. GRCh37 (hg19) VCF-style: chr19-11304896-C-T.
Other names: c.38-178G>A (NM_001379552.1, NM_001379553.1, NM_001379562.1 and 15 more transcripts).
Identifiers: ClinVar variation 1707216 (VCV001707216.2), dbSNP rs73925133, ClinGen allele CA305359092.

ClinVar aggregate classification (germline): Likely benign (1 of 4 stars; one submission).

Allele frequency attached by ClinVar (database versions not stated): gnomAD 0.00675; 1000 Genomes Project 0.00679; 1000 Genomes Project 30x 0.00687; TOPMed 0.00747.
gnomAD v4.1: 1,016 of 152,160 alleles (0.67%); highest among the groups gnomAD compares: African/African-American, 2.3%; 9 homozygotes.

Submission:

GeneDx
Classification: Likely benign. Last evaluated: 2021-03-17. Review status: criteria provided, single submitter. Criteria: GeneDx Variant Classification Process June 2021. Collection method: clinical testing. Allele origin: germline. Affected: yes.
Comment: See Variant Classification Assertion Criteria.